The following is an entry in ClinVar:

ClinVar aggregate classification (germline): Benign/Likely benign. Review status: criteria provided, multiple submitters, no conflicts (2 of 4 stars). 4 submissions from 4 submitters: Benign (1); Likely benign (3). Last evaluated 2025-07-15.

Conditions:
Hereditary cancer-predisposing syndrome. Also called: Neoplastic Syndromes, Hereditary; Tumor predisposition; Hereditary Cancer Syndrome; Hereditary neoplastic syndrome. Identifiers: Orphanet 140162, MedGen C0027672, MeSH D009386, MONDO:0015356.
Breast-ovarian cancer, familial, susceptibility to, 4. Identifiers: Orphanet 145, MedGen C3280345, MONDO:0013669, OMIM 614291.

Allele frequency attached by ClinVar (database versions not stated): gnomAD below 0.00001 and 0.00001; gnomAD exomes 0.00002 and 0.00004; ExAC 0.00003.
gnomAD v4.1: 36 of 1,613,386 alleles (0.0022%); highest among the groups gnomAD compares: South Asian, 0.038%; 1 homozygote.

Submissions (4):

Labcorp Genetics (formerly Invitae), Labcorp
Classification: Likely benign for Breast-ovarian cancer, familial, susceptibility to, 4. Last evaluated: 2025-07-15. Review status: criteria provided, single submitter. Criteria: Invitae Variant Classification Sherloc (09022015). Collection method: clinical testing. Allele origin: germline.

Myriad Genetics, Inc.
Classification: Benign for Breast-ovarian cancer, familial, susceptibility to, 4. Last evaluated: 2025-02-20. Review status: criteria provided, single submitter. Criteria: Myriad Autosomal Dominant, Autosomal Recessive and X-Linked Classification Criteria (2023). Collection method: clinical testing. Allele origin: unknown.
Comment: This variant is considered benign. This variant is a silent/synonymous amino acid change and it is not expected to impact splicing.

Color Diagnostics, LLC DBA Color Health
Classification: Likely benign for Hereditary cancer-predisposing syndrome. Last evaluated: 2017-11-15. Review status: criteria provided, single submitter. Criteria: ACMG Guidelines, 2015. Collection method: clinical testing. Allele origin: germline.

Ambry Genetics
Classification: Likely benign for Hereditary cancer-predisposing syndrome. Last evaluated: 2015-06-07. Review status: criteria provided, single submitter. Criteria: Ambry Variant Classification Scheme 2023. Collection method: clinical testing. Allele origin: germline.

NM_002878.4(RAD51D):c.255C>T (p.Gly85=)

Genes: RAD51L3-RFFL (RAD51L3-RFFL readthrough; minus strand), RAD51D (RAD51 paralog D; minus strand). Cytogenetic location: 17q12.
Variant type: single nucleotide variant.
Coding change: c.255C>T on transcript NM_002878.4 (MANE Select); coding-DNA position 255, C replaced by T.
Protein change: p.Gly85=; no amino-acid change (glycine 85 retained).
Molecular consequence: synonymous variant. On other transcripts: intron variant (2).
Genome position (GRCh38, 1-based): chr17:35,118,509, G>A on the plus strand (C>T on the coding strand, the complement: RAD51D is on the minus strand). VCF-style: chr17-35118509-G-A. GRCh37 (hg19) VCF-style: chr17-33445528-G-A.
Other names: c.144+602C>T (NM_133629.3, NM_001142571.2).
Identifiers: ClinVar variation 232119 (VCV000232119.19), dbSNP rs750714062, ClinGen allele CA8499620.